The following is an entry in ClinVar:

ClinVar aggregate classification (germline): Uncertain significance (1 of 4 stars; one submission).

Submission:

Labcorp Genetics (formerly Invitae), Labcorp
Classification: Uncertain significance. Last evaluated: 2019-12-14. Review status: criteria provided, single submitter. Criteria: Invitae Variant Classification Sherloc (09022015). Collection method: clinical testing. Allele origin: germline.
Comment: Algorithms developed to predict the effect of sequence changes on RNA splicing suggest that this variant may create or strengthen a splice site, but this prediction has not been confirmed by published transcriptional studies. This variant has not been reported in the literature in individuals with GNPTG-related conditions. This variant is not present in population databases (ExAC no frequency). This sequence change disrupts the translational stop signal of the GNPTG mRNA. It is expected to extend the length of the GNPTG protein by 24 additional amino acid residues. In summary, the available evidence is currently insufficient to determine the role of this variant in disease. Therefore, it has been classified as a Variant of Uncertain Significance.

NM_032520.5(GNPTG):c.916_*7del (p.Ter306ValextTer?)

Gene: GNPTG (N-acetylglucosamine-1-phosphate transferase subunit gamma; plus strand). Cytogenetic location: 16p13.3.
Variant type: Deletion.
Coding change: c.916_*7del on transcript NM_032520.5 (MANE Select); coding-DNA position 916 through 7 bases downstream of the stop codon, 10 bases deleted (TGACCTTGTG; older notation c.916_*7delTGACCTTGTG).
Protein change: p.Ter306ValextTer?.
Molecular consequence: frameshift variant, stop lost.
Genome position (GRCh38, 1-based): chr16:1,363,089-1,363,098, TGACCTTGTG deleted; deleting any 10 consecutive bases within chr16:1,363,087-1,363,098 gives the same sequence; the c. name uses the placement nearest the transcript's 3' end. VCF-style (leftmost placement, unchanged base first): chr16-1363086-TTGTGACCTTG-T. GRCh37 (hg19) VCF-style: chr16-1413087-TTGTGACCTTG-T.
Identifiers: ClinVar variation 848452 (VCV000848452.5), dbSNP rs2034966245, ClinGen allele CA916083470.